The following is an entry in ClinVar:

ClinVar aggregate classification (germline): Likely pathogenic (1 of 4 stars; one submission).

Conditions:
Congenital myasthenic syndrome 2A. Also called: Myasthenic syndrome, congenital, 2a, slow-channel. Identifiers: Orphanet 590, MedGen C4225374, MONDO:0014581, OMIM 616313.

Submission:

MVZ Medizinische Genetik Mainz
Classification: Likely pathogenic for Congenital myasthenic syndrome 2A. Last evaluated: 2022-11-14. Review status: criteria provided, single submitter. Criteria: UK Practice Guidelines For Variant Classification V4 01 2020. Collection method: clinical testing. Allele origin: germline. Inheritance: Autosomal dominant inheritance. Affected: yes. Observed: 1 variant allele.
Comment: ACMG Criteria: PVS1,PM2_SUP

NM_000747.3(CHRNB1):c.1071C>A (p.Tyr357Ter)

Gene: CHRNB1 (cholinergic receptor nicotinic beta 1 subunit; plus strand). Cytogenetic location: 17p13.1.
Variant type: single nucleotide variant.
Coding change: c.1071C>A on transcript NM_000747.3 (MANE Select); coding-DNA position 1071, C replaced by A.
Protein change: p.Tyr357Ter; replaces tyrosine 357 with a stop codon.
Molecular consequence: nonsense.
Genome position (GRCh38, 1-based): chr17:7,455,310, C>A. VCF-style: chr17-7455310-C-A. GRCh37 (hg19) VCF-style: chr17-7358629-C-A.
Other names: short protein forms Y357*.
Identifiers: ClinVar variation 3066140 (VCV003066140.1), dbSNP rs2507872015, ClinGen allele CA397800374.